The following is an entry in ClinVar:

NM_015557.3(CHD5):c.2177A>G (p.Glu726Gly)

Gene: CHD5 (chromodomain helicase DNA binding protein 5; minus strand). Cytogenetic location: 1p36.31.
Variant type: single nucleotide variant.
Coding change: c.2177A>G on transcript NM_015557.3 (MANE Select); coding-DNA position 2177, A replaced by G.
Protein change: p.Glu726Gly; replaces glutamic acid 726 with glycine.
Molecular consequence: missense variant.
Genome position (GRCh38, 1-based): chr1:6,142,472, T>C on the plus strand (A>G on the coding strand, the complement: CHD5 is on the minus strand). VCF-style: chr1-6142472-T-C. GRCh37 (hg19) VCF-style: chr1-6202532-T-C.
Other names: short protein forms E726G.
Identifiers: ClinVar variation 3776676 (VCV003776676.1).

ClinVar aggregate classification (germline): Uncertain significance (1 of 4 stars; one submission).

Submission:

GeneDx
Classification: Uncertain significance. Last evaluated: 2024-10-07. Review status: criteria provided, single submitter. Criteria: GeneDx Variant Classification Process June 2021. Collection method: clinical testing. Allele origin: germline. Affected: yes.
Comment: Not observed at significant frequency in large population cohorts (gnomAD); In silico analysis supports that this missense variant has a deleterious effect on protein structure/function; Has not been previously published as pathogenic or benign to our knowledge